The following is an entry in ClinVar:

ClinVar aggregate classification (germline): Uncertain significance (1 of 4 stars; one submission).

Conditions:
Mitochondrial complex II deficiency, nuclear type 1. Also called: SUCCINATE CoQ REDUCTASE DEFICIENCY. Identifiers: Orphanet 3208, MedGen C5700310, MONDO:0100294, OMIM 252011.
Pheochromocytoma/paraganglioma syndrome 5. Also called: Paragangliomas 5; SDHA-Related Hereditary Paraganglioma-Pheochromocytoma Syndrome. Identifiers: Orphanet 29072, MedGen C3279992, MONDO:0013602, OMIM 614165.

Submission:

Labcorp Genetics (formerly Invitae), Labcorp
Classification: Uncertain significance for Pheochromocytoma/paraganglioma syndrome 5; Mitochondrial complex II deficiency, nuclear type 1. Last evaluated: 2024-10-01. Review status: criteria provided, single submitter. Criteria: Invitae Variant Classification Sherloc (09022015). Collection method: clinical testing. Allele origin: germline.
Comment: This sequence change replaces glutamine, which is neutral and polar, with histidine, which is basic and polar, at codon 577 of the SDHA protein (p.Gln577His). This variant is not present in population databases (gnomAD no frequency). This variant has not been reported in the literature in individuals affected with SDHA-related conditions. Invitae Evidence Modeling of protein sequence and biophysical properties (such as structural, functional, and spatial information, amino acid conservation, physicochemical variation, residue mobility, and thermodynamic stability) indicates that this missense variant is not expected to disrupt SDHA protein function with a negative predictive value of 95%. In summary, the available evidence is currently insufficient to determine the role of this variant in disease. Therefore, it has been classified as a Variant of Uncertain Significance.

NM_004168.4(SDHA):c.1731G>T (p.Gln577His)

Gene: SDHA (succinate dehydrogenase complex flavoprotein subunit A; plus strand). Cytogenetic location: 5p15.33.
Variant type: single nucleotide variant.
Coding change: c.1731G>T on transcript NM_004168.4 (MANE Select); coding-DNA position 1731, G replaced by T.
Protein change: p.Gln577His; replaces glutamine 577 with histidine.
Molecular consequence: missense variant. On other transcripts: intron variant (1).
Genome position (GRCh38, 1-based): chr5:251,405, G>T. VCF-style: chr5-251405-G-T. GRCh37 (hg19) VCF-style: chr5-251520-G-T.
Other names: c.1587G>T, p.Gln529His (NM_001294332.2); c.1552-2988G>T (NM_001330758.2); short protein forms Q529H, Q577H.
Identifiers: ClinVar variation 3754211 (VCV003754211.2).